The following is an entry in ClinVar:

NM_004815.4(ARHGAP29):c.1571T>C (p.Ile524Thr)

Gene: ARHGAP29 (Rho GTPase activating protein 29; minus strand). Cytogenetic location: 1p22.1.
Variant type: single nucleotide variant.
Coding change: c.1571T>C on transcript NM_004815.4 (MANE Select); coding-DNA position 1571, T replaced by C.
Protein change: p.Ile524Thr; replaces isoleucine 524 with threonine.
Molecular consequence: missense variant.
Genome position (GRCh38, 1-based): chr1:94,189,221, A>G on the plus strand (T>C on the coding strand, the complement: ARHGAP29 is on the minus strand). VCF-style: chr1-94189221-A-G. GRCh37 (hg19) VCF-style: chr1-94654777-A-G.
Other names: c.1571T>C, p.Ile524Thr (NM_001328664.2); c.1379T>C, p.Ile460Thr (NM_001328665.2, NM_001328667.2); c.1544T>C, p.Ile515Thr (NM_001328666.2); short protein forms I460T, I515T, I524T.
Identifiers: ClinVar variation 3025414 (VCV003025414.22), dbSNP rs372270954, ClinGen allele CA959476.

ClinVar aggregate classification (germline): Likely benign (1 of 4 stars; one submission).

Allele frequency attached by ClinVar (database versions not stated): gnomAD 0.00008; ExAC 0.00009; ESP Exome Variant Server 0.00015.
gnomAD v4.1: 112 of 1,606,992 alleles (0.007%); highest among the groups gnomAD compares: Middle Eastern, 0.017%; no homozygotes.

Submission:

CeGaT Center for Human Genetics Tuebingen
Classification: Likely benign. Last evaluated: 2024-02-01. Review status: criteria provided, single submitter. Criteria: CeGaT Center For Human Genetics Tuebingen Variant Classification Criteria Version 2. Collection method: clinical testing. Allele origin: germline. Affected: yes. Observed: 1 variant allele.
Comment: ARHGAP29: BP4